The following is an entry in ClinVar:

NM_001267550.2(TTN):c.79656A>C (p.Lys26552Asn)

Genes: TTN (titin; minus strand), TTN-AS1 (TTN antisense RNA 1; plus strand). Cytogenetic location: 2q31.2.
Variant type: single nucleotide variant.
Coding change: c.79656A>C on transcript NM_001267550.2 (MANE Select); coding-DNA position 79656, A replaced by C.
Protein change: p.Lys26552Asn; replaces lysine 26552 with asparagine.
Molecular consequence: missense variant.
Genome position (GRCh38, 1-based): chr2:178,566,476, T>G on the plus strand (A>C on the coding strand, the complement: TTN is on the minus strand). VCF-style: chr2-178566476-T-G. GRCh37 (hg19) VCF-style: chr2-179431203-T-G.
Other names: p.Lys24911Asn; c.74733A>C, p.Lys24911Asn (NM_001256850.1); c.52461A>C, p.Lys17487Asn (NM_003319.4); c.71952A>C, p.Lys23984Asn (NM_133378.4); c.52836A>C, p.Lys17612Asn (NM_133432.3); c.53037A>C, p.Lys17679Asn (NM_133437.4); short protein forms K17679N, K23984N, K26552N, K17612N, K17487N, K24911N.
Identifiers: ClinVar variation 4540716 (VCV004540716.1).

ClinVar aggregate classification (germline): Uncertain significance (1 of 4 stars; one submission).

gnomAD v4.1: 5 of 1,613,464 alleles (0.00031%); highest among the groups gnomAD compares: Non-Finnish European, 0.00042%; no homozygotes.

Submission:

Mayo Clinic Laboratories, Mayo Clinic
Classification: Uncertain significance. Last evaluated: 2025-12-03. Review status: criteria provided, single submitter. Criteria: ACMG Guidelines, 2015. Collection method: clinical testing. Allele origin: germline. Observed: 1 variant allele.
Comment: BP4